The following is an entry in ClinVar:

ClinVar aggregate classification (germline): Uncertain significance. Review status: criteria provided, multiple submitters, no conflicts (2 of 4 stars). 2 submissions from 2 submitters: Uncertain significance (2). Last evaluated 2025-02-13.

Conditions:
Autoimmune interstitial lung disease-arthritis syndrome. Also called: Autoinflammation and autoimmunity, systemic, with immune dysregulation. Identifiers: Orphanet 444092, MedGen C5975714, MONDO:0014629.
Inborn genetic diseases. Identifiers: MedGen C0950123, MeSH D030342.

Submissions (2):

Ambry Genetics
Classification: Uncertain significance for Inborn genetic diseases. Last evaluated: 2025-02-13. Review status: criteria provided, single submitter. Criteria: Ambry Variant Classification Scheme 2023. Collection method: clinical testing. Allele origin: germline.

Labcorp Genetics (formerly Invitae), Labcorp
Classification: Uncertain significance for Autoimmune interstitial lung disease-arthritis syndrome. Last evaluated: 2025-01-05. Review status: criteria provided, single submitter. Criteria: Invitae Variant Classification Sherloc (09022015). Collection method: clinical testing. Allele origin: germline.
Comment: This sequence change replaces arginine, which is basic and polar, with tryptophan, which is neutral and slightly polar, at codon 481 of the COPA protein (p.Arg481Trp). This variant is present in population databases (rs775676631, gnomAD 0.009%). This variant has not been reported in the literature in individuals affected with COPA-related conditions. An algorithm developed to predict the effect of missense changes on protein structure and function (PolyPhen-2) suggests that this variant is likely to be disruptive. In summary, the available evidence is currently insufficient to determine the role of this variant in disease. Therefore, it has been classified as a Variant of Uncertain Significance.

NM_004371.4(COPA):c.1441C>T (p.Arg481Trp)

Gene: COPA (coat protein complex I subunit alpha; minus strand). Cytogenetic location: 1q23.2.
Variant type: single nucleotide variant.
Coding change: c.1441C>T on transcript NM_004371.4 (MANE Select); coding-DNA position 1441, C replaced by T.
Protein change: p.Arg481Trp; replaces arginine 481 with tryptophan.
Molecular consequence: missense variant.
Genome position (GRCh38, 1-based): chr1:160,306,355, G>A on the plus strand (C>T on the coding strand, the complement: COPA is on the minus strand). VCF-style: chr1-160306355-G-A. GRCh37 (hg19) VCF-style: chr1-160276145-G-A.
Other names: c.1441C>T, p.Arg481Trp (NM_001098398.2); c.1441C>T (NM_001098398.1); short protein forms R481W.
Identifiers: ClinVar variation 3708346 (VCV003708346.3).